The following is an entry in ClinVar:

ClinVar aggregate classification (germline): Conflicting classifications of pathogenicity. Review status: criteria provided, conflicting classifications (1 of 4 stars). 2 submissions from 2 submitters: Uncertain significance (1); Benign (1). Last evaluated 2025-12-08.

Conditions:
Hereditary cancer-predisposing syndrome. Also called: Neoplastic Syndromes, Hereditary; Tumor predisposition; Hereditary Cancer Syndrome; Hereditary neoplastic syndrome. Identifiers: Orphanet 140162, MedGen C0027672, MeSH D009386, MONDO:0015356.
Oligodontia-cancer predisposition syndrome. Also called: TOOTH AGENESIS-COLORECTAL CANCER SYNDROME. Identifiers: Orphanet 300576, MedGen C1837750, MONDO:0012075, OMIM 608615. Disease mechanism: loss of function.

Allele frequency attached by ClinVar (database versions not stated): gnomAD 0.00001; TOPMed 0.00002; 1000 Genomes Project 0.00020; 1000 Genomes Project 30x 0.00031.
gnomAD v4.1: 7 of 1,606,490 alleles (0.00044%); highest among the groups gnomAD compares: Admixed American, 0.0051%; no homozygotes.

Submissions (2):

Labcorp Genetics (formerly Invitae), Labcorp
Classification: Uncertain significance for Oligodontia-cancer predisposition syndrome. Last evaluated: 2025-12-08. Review status: criteria provided, single submitter. Criteria: Invitae Variant Classification Sherloc (09022015). Collection method: clinical testing. Allele origin: germline.
Comment: This sequence change replaces proline, which is neutral and non-polar, with arginine, which is basic and polar, at codon 483 of the AXIN2 protein (p.Pro483Arg). This variant is present in population databases (rs530465133, gnomAD 0.009%). This variant has not been reported in the literature in individuals affected with AXIN2-related conditions. ClinVar contains an entry for this variant (Variation ID: 639760). An algorithm developed to predict the effect of missense changes on protein structure and function (PolyPhen-2) suggests that this variant is likely to be tolerated. In summary, the available evidence is currently insufficient to determine the role of this variant in disease. Therefore, it has been classified as a Variant of Uncertain Significance.

Ambry Genetics
Classification: Benign for Hereditary cancer-predisposing syndrome. Last evaluated: 2024-05-24. Review status: criteria provided, single submitter. Criteria: Ambry Variant Classification Scheme 2023. Collection method: clinical testing. Allele origin: germline.

NM_004655.4(AXIN2):c.1448C>G (p.Pro483Arg)

Gene: AXIN2 (axin 2; minus strand). Cytogenetic location: 17q24.1.
Variant type: single nucleotide variant.
Coding change: c.1448C>G on transcript NM_004655.4 (MANE Select); coding-DNA position 1448, C replaced by G.
Protein change: p.Pro483Arg; replaces proline 483 with arginine.
Molecular consequence: missense variant.
Genome position (GRCh38, 1-based): chr17:65,537,588, G>C on the plus strand (C>G on the coding strand, the complement: AXIN2 is on the minus strand). VCF-style: chr17-65537588-G-C. GRCh37 (hg19) VCF-style: chr17-63533706-G-C.
Other names: c.1448C>G (LRG_296t1); c.1448C>G, p.Pro483Arg (NM_001363813.1); short protein forms P483R.
Identifiers: ClinVar variation 639760 (VCV000639760.14), dbSNP rs530465133, ClinGen allele CA293098286.